The following is an entry in ClinVar:

NM_005472.5(KCNE3):c.22G>T (p.Glu8Ter)

Gene: KCNE3 (potassium voltage-gated channel subfamily E regulatory subunit 3; minus strand). Cytogenetic location: 11q13.4.
Variant type: single nucleotide variant.
Coding change: c.22G>T on transcript NM_005472.5 (MANE Select); coding-DNA position 22, G replaced by T.
Protein change: p.Glu8Ter; replaces glutamic acid 8 with a stop codon.
Molecular consequence: nonsense.
Genome position (GRCh38, 1-based): chr11:74,457,542, C>A on the plus strand (G>T on the coding strand, the complement: KCNE3 is on the minus strand). VCF-style: chr11-74457542-C-A. GRCh37 (hg19) VCF-style: chr11-74168587-C-A.
Other names: short protein forms E8*.
Identifiers: ClinVar variation 3022761 (VCV003022761.4), dbSNP rs2496086875, ClinGen allele CA381974226.

ClinVar aggregate classification (germline): Uncertain significance. Review status: criteria provided, multiple submitters, no conflicts (2 of 4 stars). 2 submissions from 2 submitters: Uncertain significance (2). Last evaluated 2026-07-13.

Conditions:
Brugada syndrome 6 (BRGDA6). Identifiers: Orphanet 130, MedGen C2751089, MONDO:0013145, OMIM 613119.
Cardiovascular phenotype. Identifiers: MedGen CN230736.

Allele frequency attached by ClinVar (database versions not stated): gnomAD exomes below 0.00001.

Submissions (2):

Ambry Genetics
Classification: Uncertain significance for Cardiovascular phenotype. Last evaluated: 2026-07-13. Review status: criteria provided, single submitter. Criteria: Ambry Variant Classification Scheme 2023. Collection method: clinical testing. Allele origin: germline.
Comment: The p.E8* variant (also known as c.22G>T), located in coding exon 1 of the KCNE3 gene, results from a G to T substitution at nucleotide position 22. This changes the amino acid from a glutamic acid to a stop codon within coding exon 1. The evidence for this gene-disease relationship is limited; therefore, the clinical significance of this variant is unclear.

Labcorp Genetics (formerly Invitae), Labcorp
Classification: Uncertain significance for Brugada syndrome 6. Last evaluated: 2024-01-23. Review status: criteria provided, single submitter. Criteria: Invitae Variant Classification Sherloc (09022015). Collection method: clinical testing. Allele origin: germline.
Comment: This sequence change creates a premature translational stop signal (p.Glu8*) in the KCNE3 gene. While this is not anticipated to result in nonsense mediated decay, it is expected to disrupt the last 96 amino acid(s) of the KCNE3 protein. This variant is not present in population databases (gnomAD no frequency). This variant has not been reported in the literature in individuals affected with KCNE3-related conditions. Experimental studies and prediction algorithms are not available or were not evaluated, and the functional significance of this variant is currently unknown. In summary, the available evidence is currently insufficient to determine the role of this variant in disease. Therefore, it has been classified as a Variant of Uncertain Significance.